The following is an entry in ClinVar:

NM_001282225.2(ADA2):c.336C>G (p.His112Gln)

Gene: ADA2 (adenosine deaminase 2; minus strand). Cytogenetic location: 22q11.1.
Variant type: single nucleotide variant.
Coding change: c.336C>G on transcript NM_001282225.2 (MANE Select); coding-DNA position 336, C replaced by G.
Protein change: p.His112Gln; replaces histidine 112 with glutamine.
Molecular consequence: missense variant. On other transcripts: 5 prime UTR variant (1).
Genome position (GRCh38, 1-based): chr22:17,207,277, G>C on the plus strand (C>G on the coding strand, the complement: ADA2 is on the minus strand). VCF-style: chr22-17207277-G-C. GRCh37 (hg19) VCF-style: chr22-17688167-G-C.
Other names: c.336C>G, p.His112Gln (NM_001282226.2); c.210C>G, p.His70Gln (NM_001282227.2, NM_001282228.2); c.-25C>G (NM_001282229.2); short protein forms H112Q, H70Q.
Identifiers: ClinVar variation 120302 (VCV000120302.18), dbSNP rs587777241, ClinGen allele CA150806.
Genomic context (GRCh38, chr22:17,207,277, plus strand): 5'-AGGCCTGTAGGTGACATTCCTCACCAGCCAGTCCATAGTCACGATGCCAATGTCATGGAG[G>C]TGCAAGGCAGCCCCTGGAGAGGGAAGAAGAATGGTGAAGACAAAGGGGTGAAGTCCCATC-3'
Protein context (NP_001269154.1, residues 102-122): LRMMPKGAAL[His112Gln]LHDIGIVTMD

ClinVar aggregate classification (germline): Pathogenic/Likely pathogenic. Review status: criteria provided, multiple submitters, no conflicts (2 of 4 stars). 8 submissions from 8 submitters: Pathogenic (6); Likely pathogenic (1). 1 of the submissions does not count toward it. Last evaluated 2026-02-18.

Conditions:
Autoinflammatory syndrome. Identifiers: Orphanet 93665, MedGen C3890737, MONDO:0019751.
ADA2-related disorder. Also called: ADA2-related condition.
Deficiency of adenosine deaminase 2. Also called: Adenosine Deaminase 2 Deficiency; Polyarteritis nodosa, childhoood-onset; VASCULITIS, AUTOINFLAMMATION, IMMUNODEFICIENCY, AND HEMATOLOGIC DEFECTS SYNDROME. Identifiers: Orphanet 404553, MedGen C3887654, MONDO:0014306, OMIM 615688, MONDO:0100317.

Allele frequency attached by ClinVar (database versions not stated): ExAC 0.00002; gnomAD exomes 0.00002 and 0.00004; TOPMed 0.00002.
gnomAD v4.1: 51 of 1,605,582 alleles (0.0032%); highest among the groups gnomAD compares: Non-Finnish European, 0.0041%; no homozygotes.

Submissions (8):

Women's Health and Genetics/Laboratory Corporation of America, LabCorp
Classification: Pathogenic for Deficiency of adenosine deaminase 2. Last evaluated: 2026-02-18. Review status: criteria provided, single submitter. Criteria: LabCorp Variant Classification Summary - May 2015. Collection method: clinical testing. Allele origin: germline.
Comment: Variant summary: ADA2 c.336C>G (p.His112Gln) results in a non-conservative amino acid change in the encoded protein sequence. Algorithms developed to predict the effect of missense changes on protein structure and function all suggest that this variant is likely to be disruptive. The variant allele was found at a frequency of 1.6e-05 in 250956 control chromosomes (gnomAD). c.336C>G has been observed in multiple individuals affected with clinical features of Early-Onset Stroke, Vasculopathy and ADA2-deficiency (Zhou_2014, Hashem_2017, Schepp_2017, Hashem_2021). These data indicate that the variant is very likely to be associated with disease. At least one publication reports experimental evidence evaluating an impact on protein function and this variant affects ADA2 protein function (Zhou_2014). The following publications have been ascertained in the context of this evaluation (PMID: 28983775, 34324127, 28493328, 24552284). ClinVar contains an entry for this variant (Variation ID: 120302). Based on the evidence outlined above, the variant was classified as pathogenic.

GeneDx
Classification: Pathogenic. Last evaluated: 2026-01-07. Review status: criteria provided, single submitter. Criteria: GeneDx Variant Classification Process June 2021. Collection method: clinical testing. Allele origin: germline. Affected: yes.
Comment: Published functional studies in zebrafish embryos demonstrate a damaging effect on protein function (PMID: 24552284); In silico analysis supports that this missense variant has a deleterious effect on protein structure/function; Not observed at significant frequency in large population cohorts (gnomAD); This variant is associated with the following publications: (PMID: 28974505, 34324127, 34004258, 24552284, 30559313, 28493328, 27444081, 37291213)

Labcorp Genetics (formerly Invitae), Labcorp
Classification: Pathogenic for Deficiency of adenosine deaminase 2. Last evaluated: 2026-01-01. Review status: criteria provided, single submitter. Criteria: Invitae Variant Classification Sherloc (09022015). Collection method: clinical testing. Allele origin: germline.
Comment: This sequence change replaces histidine, which is basic and polar, with glutamine, which is neutral and polar, at codon 112 of the ADA2 protein (p.His112Gln). This variant is present in population databases (rs587777241, gnomAD 0.004%). This missense change has been observed in individual(s) with ADA2-deficiency and early-onset stroke and polyarteritis nodosa (PMID: 24552284, 28493328). In at least one individual the data is consistent with being in trans (on the opposite chromosome) from a pathogenic variant. ClinVar contains an entry for this variant (Variation ID: 120302). Invitae Evidence Modeling of protein sequence and biophysical properties (such as structural, functional, and spatial information, amino acid conservation, physicochemical variation, residue mobility, and thermodynamic stability) indicates that this missense variant is expected to disrupt ADA2 protein function with a positive predictive value of 95%. Experimental studies have shown that this missense change affects ADA2 function (PMID: 24552284). For these reasons, this variant has been classified as Pathogenic.

Genome Diagnostics Laboratory, The Hospital for Sick Children
Classification: Likely pathogenic for Autoinflammatory syndrome. Last evaluated: 2022-04-07. Review status: criteria provided, single submitter. Criteria: ACMG Guidelines, 2015. Collection method: clinical testing. Allele origin: germline. Affected: yes.

Victorian Clinical Genetics Services, Murdoch Childrens Research Institute
Classification: Pathogenic for Deficiency of adenosine deaminase 2. Last evaluated: 2022-02-02. Review status: criteria provided, single submitter. Criteria: ACMG Guidelines, 2015. Collection method: clinical testing. Allele origin: germline. Inheritance: Autosomal recessive inheritance. Affected: yes.
Comment: Based on the classification scheme VCGS_Germline_v1.3.4, this variant is classified as Pathogenic. Following criteria are met: 0102 - Loss of function is a known mechanism of disease in this gene and is associated with vasculitis due to ADA2 deficiency (MONDO:0014306). (I) 0106 - This gene is associated with autosomal recessive disease. (I) 0115 - Variants in this gene are known to have variable expressivity. Significant phenotypic variability within families has been noted, with some asymptomatic individuals reported despite low enzyme levels (PMID: 27059682, 24552285). (I) 0200 - Variant is predicted to result in a missense amino acid change from histidine to glutamine. (I) 0251 - This variant is heterozygous. (I) 0304 - Variant is present in gnomAD (v2) <0.01 for a recessive condition (4 heterozygotes, 0 homozygotes). (SP) 0309 - An alternative amino acid change at the same position has been observed in gnomAD (v2) (1 heterozygote, 0 homozygotes). (I) 0501 - Missense variant consistently predicted to be damaging by multiple in silico tools or highly conserved with a major amino acid change. (SP) 0600 - Variant is located in an annotated Zinc binding site (Pfam). (I) 0704 - Another variant comparable to the one identified in this case has limited previous evidence for pathogenicity. The p.(His112Tyr) variant was identified in an individual with ADA2 deficiency (PMID: 32892503). (SP) 0801 - This variant has strong previous evidence of pathogenicity in unrelated individuals. This variant has been reported in the homozygous and compound heterozygous state in multiple individuals with ADA2 deficiency in ClinVar and the literature (PMID: 30559313, 27444081, 28493328, 24552284). The phenotypes reported in these individuals were variable and included skin manifestations, immunodeficiency, neuropathy, anaemia, and stroke. (SP) 1001 - This variant has strong functional evidence supporting abnormal protein function. Affected individuals with this variant have low ADA2 enzyme activity, and this variant variant is unable to phenotypically rescue transgenic zebrafish (PMID: 24552284, 30559313, 27444081). (I) Legend: (SP) - Supporting pathogenic, (I) - Information, (SB) - Supporting benign

Blueprint Genetics
Classification: Pathogenic for ADA2-related disorders. Last evaluated: 2021-04-26. Review status: criteria provided, single submitter. Criteria: ACMG Guidelines, 2015. Collection method: clinical testing. Allele origin: germline. Affected: yes. Observed: 3 variant alleles.

HudsonAlpha Institute for Biotechnology
Classification: Pathogenic. Last evaluated: 2018-03-09. Review status: criteria provided, single submitter. Criteria: ACMG Guidelines, 2015. Collection method: research. Allele origin: paternal. Affected: yes. Observed: 1 variant allele. Study: St. Jude-INSIGHT-HD.

OMIM
Classification: Pathogenic for VASCULITIS, AUTOINFLAMMATION, IMMUNODEFICIENCY, AND HEMATOLOGIC DEFECTS SYNDROME. Last evaluated: 2014-03-06. Review status: no assertion criteria provided. Collection method: literature only. Allele origin: germline. Not counted in ClinVar's aggregate classification.

Literature cited by the submitters: PubMed 24552284 (cited by 4 submitters); PubMed 28493328 (cited by 3 submitters); PubMed 28983775 (cited by Women's Health and Genetics/Laboratory Corporation of America, LabCorp); PubMed 34324127 (cited by Women's Health and Genetics/Laboratory Corporation of America, LabCorp); PubMed 27444081 (cited by Victorian Clinical Genetics Services, Murdoch Childrens Research Institute); PubMed 30559313 (cited by Victorian Clinical Genetics Services, Murdoch Childrens Research Institute); PubMed 32892503 (cited by Victorian Clinical Genetics Services, Murdoch Childrens Research Institute); PubMed 24552285 (cited by Victorian Clinical Genetics Services, Murdoch Childrens Research Institute); PubMed 27059682 (cited by Victorian Clinical Genetics Services, Murdoch Childrens Research Institute).